The following is an entry in ClinVar:

NM_000059.4(BRCA2):c.7744G>C (p.Ala2582Pro)

Gene: BRCA2 (BRCA2 DNA repair associated; plus strand). Cytogenetic location: 13q13.1.
Variant type: single nucleotide variant.
Coding change: c.7744G>C on transcript NM_000059.4 (MANE Select); coding-DNA position 7744, G replaced by C.
Protein change: p.Ala2582Pro; replaces alanine 2582 with proline.
Molecular consequence: missense variant. On other transcripts: non-coding transcript variant (1).
Genome position (GRCh38, 1-based): chr13:32,357,868, G>C. VCF-style: chr13-32357868-G-C. GRCh37 (hg19) VCF-style: chr13-32932005-G-C.
Other names: c.7648G>C, p.Ala2550Pro (NM_001406719.1); c.7744G>C, p.Ala2582Pro (NM_001406720.1, NM_001432077.1); c.2812G>C, p.Ala938Pro (NM_001406721.1); c.1327G>C, p.Ala443Pro (NM_001406722.1); short protein forms A2550P, A2582P, A443P, A938P.
Identifiers: ClinVar variation 4856446 (VCV004856446.1).

ClinVar aggregate classification (germline): Likely benign (1 of 4 stars; one submission).

Conditions:
Breast-ovarian cancer, familial, susceptibility to, 2 (BROVCA2). Also called: BRCA2 Hereditary Breast and Ovarian Cancer. Identifiers: Orphanet 145, MedGen C2675520, MONDO:0012933, OMIM 612555. Disease mechanism: loss of function.

Submission:

Cancer Bioinformatics and Tumour Evolution Laboratory, Monash University
Classification: Likely benign for Breast-ovarian cancer, familial, susceptibility to, 2. Last evaluated: 2026-05-01. Review status: criteria provided, single submitter. Criteria: ClinGen BRCA1 and BRCA2 Guidelines, 2024. Collection method: curation. Allele origin: germline. Inheritance: Autosomal dominant inheritance.
Comment: This variant is in a functional domain (DNA Binding Domains). The BayesDel score is 0.389655, which means a deleterious impact is predicted. Hence, PP3 is applied. PMID: 39779857 - SGE and HDR analysis on haploid human HAP1 cells. All missenses in this position were analysed and they were found to be benign (including our variant, A2582P) except for A2582T, which was found to be pathogenic. PMID: 39779848 - SGE followed by HDR on mES cells. All missenses in this position were analysed, including our variant. All of them were found to be benign. Based on these functional studies, BS3 is applied. The BRCA1 and BRCA2 VCEP guidelines provide a points system to resolve contradictory evidence codes. -4 points for benign strong and +1 point for path supporting. This equals -3, which satisfies LIKELY BENIGN

Literature cited by the submitters: PubMed 39779857; PubMed 39779848.